The following is an entry in ClinVar:

NM_130466.4(UBE3B):c.644G>A (p.Arg215His)

Gene: UBE3B (ubiquitin protein ligase E3B; plus strand). Cytogenetic location: 12q24.11.
Variant type: single nucleotide variant.
Coding change: c.644G>A on transcript NM_130466.4 (MANE Select); coding-DNA position 644, G replaced by A.
Protein change: p.Arg215His; replaces arginine 215 with histidine.
Molecular consequence: missense variant.
Genome position (GRCh38, 1-based): chr12:109,491,058, G>A. VCF-style: chr12-109491058-G-A. GRCh37 (hg19) VCF-style: chr12-109928863-G-A.
Other names: c.644G>A, p.Arg215His (NM_183415.3); short protein forms R215H.
Identifiers: ClinVar variation 2056620 (VCV002056620.3), dbSNP rs141861530, ClinGen allele CA6777629.

ClinVar aggregate classification (germline): Uncertain significance. Review status: criteria provided, multiple submitters, no conflicts (2 of 4 stars). 2 submissions from 2 submitters: Uncertain significance (2). Last evaluated 2022-10-05.

Conditions:
Inborn genetic diseases. Identifiers: MedGen C0950123, MeSH D030342.

Allele frequency attached by ClinVar (database versions not stated): gnomAD exomes 0.00003; gnomAD 0.00009; ExAC 0.00010; TOPMed 0.00010; 1000 Genomes Project 30x 0.00016; 1000 Genomes Project 0.00020; ESP Exome Variant Server 0.00023.
gnomAD v4.1: 61 of 1,613,432 alleles (0.0038%); highest among the groups gnomAD compares: African/African-American, 0.019%; no homozygotes.

Submissions (2):

Labcorp Genetics (formerly Invitae), Labcorp
Classification: Uncertain significance. Last evaluated: 2022-10-05. Review status: criteria provided, single submitter. Criteria: Invitae Variant Classification Sherloc (09022015). Collection method: clinical testing. Allele origin: germline.
Comment: Advanced modeling of protein sequence and biophysical properties (such as structural, functional, and spatial information, amino acid conservation, physicochemical variation, residue mobility, and thermodynamic stability) performed at Invitae indicates that this missense variant is not expected to disrupt UBE3B protein function. In summary, the available evidence is currently insufficient to determine the role of this variant in disease. Therefore, it has been classified as a Variant of Uncertain Significance. This variant has not been reported in the literature in individuals affected with UBE3B-related conditions. This variant is present in population databases (rs141861530, gnomAD 0.04%). This sequence change replaces arginine, which is basic and polar, with histidine, which is basic and polar, at codon 215 of the UBE3B protein (p.Arg215His).

Ambry Genetics
Classification: Uncertain significance for Inborn genetic diseases. Last evaluated: 2021-09-22. Review status: criteria provided, single submitter. Criteria: Ambry Variant Classification Scheme 2023. Collection method: clinical testing. Allele origin: germline.